The following is an entry in ClinVar:

ClinVar aggregate classification (germline): Likely pathogenic (1 of 4 stars; one submission).

Conditions:
Cardiovascular phenotype. Identifiers: MedGen CN230736.

Submission:

Ambry Genetics
Classification: Likely pathogenic for Cardiovascular phenotype. Last evaluated: 2026-08-14. Review status: criteria provided, single submitter. Criteria: Ambry Variant Classification Scheme 2023. Collection method: clinical testing. Allele origin: germline.
Comment: The p.S15027* variant (also known as c.45080C>A), located in coding exon 153 of the TTN gene, results from a C to A substitution at nucleotide position 45080. This changes the amino acid from a serine to a stop codon within coding exon 153. This exon is located in the A-band region of the N2-B isoform of the titin protein and is constitutively expressed in TTN transcripts (percent spliced in or PSI 100%). This variant was reported in individual(s) with features consistent with dilated cardiomyopathy (Ambry internal data). This variant is considered to be rare based on population cohorts in the Genome Aggregation Database (gnomAD). This variant is expected to result in loss of function by premature protein truncation or nonsense-mediated mRNA decay. While truncating variants in TTN are present in 1-3% of the general population, truncating variants in the A-band are the most common cause of dilated cardiomyopathy (Herman DS et al. N. Engl. J. Med., 2012 Feb;366:619-28; Roberts AM et al. Sci Transl Med, 2015 Jan;7:270ra6). TTN truncating variants encoded in constitutive exons (PSI >90%) have been found to be significantly associated with DCM regardless of their position in titin (Schafer S et al. Nat. Genet., 2017 01;49:46-53; Akhtar MM et al. Circ Heart Fail, 2020 Oct;13:e006832; Massier M et al. Clin Genet, 2025 Jan). Based on the majority of available evidence to date, this variant is likely to be pathogenic.

NM_001267550.2(TTN):c.72275C>A (p.Ser24092Ter)

Genes: TTN (titin; minus strand), TTN-AS1 (TTN antisense RNA 1; plus strand). Cytogenetic location: 2q31.2.
Variant type: single nucleotide variant.
Coding change: c.72275C>A on transcript NM_001267550.2 (MANE Select); coding-DNA position 72275, C replaced by A.
Protein change: p.Ser24092Ter; replaces serine 24092 with a stop codon.
Molecular consequence: nonsense.
Genome position (GRCh38, 1-based): chr2:178,573,857, G>T on the plus strand (C>A on the coding strand, the complement: TTN is on the minus strand). VCF-style: chr2-178573857-G-T. GRCh37 (hg19) VCF-style: chr2-179438584-G-T.
Other names: c.67352C>A, p.Ser22451Ter (NM_001256850.1); c.45080C>A, p.Ser15027Ter (NM_003319.4); c.64571C>A, p.Ser21524Ter (NM_133378.4); c.45455C>A, p.Ser15152Ter (NM_133432.3); c.45656C>A, p.Ser15219Ter (NM_133437.4); short protein forms S15152*, S24092*, S15027*, S15219*, S22451*, S21524*.
Identifiers: ClinVar variation 5031489 (VCV005031489.1).